The following is an entry in ClinVar:

NM_025244.4(TSGA10):c.975C>T (p.Asp325=)

Gene: TSGA10 (testis specific 10; minus strand). Cytogenetic location: 2q11.2.
Variant type: single nucleotide variant.
Coding change: c.975C>T on transcript NM_025244.4 (MANE Select); coding-DNA position 975, C replaced by T.
Protein change: p.Asp325=; no amino-acid change (aspartic acid 325 retained).
Molecular consequence: synonymous variant. On other transcripts: non-coding transcript variant (1).
Genome position (GRCh38, 1-based): chr2:99,071,838, G>A on the plus strand (C>T on the coding strand, the complement: TSGA10 is on the minus strand). VCF-style: chr2-99071838-G-A. GRCh37 (hg19) VCF-style: chr2-99688301-G-A.
Other names: c.975C>T, p.Asp325= (NM_001349012.1, NM_182911.4); c.648C>T, p.Asp216= (NM_001349013.2, NM_001349014.1).
Identifiers: ClinVar variation 717144 (VCV000717144.6), dbSNP rs115741235, ClinGen allele CA1796833.

ClinVar aggregate classification (germline): Benign. Review status: criteria provided, single submitter (1 of 4 stars). 2 submissions from 2 submitters: Benign (1). 1 of the submissions does not count toward it. Last evaluated 2019-12-31.

Conditions:
TSGA10-related disorder. Also called: TSGA10-related condition.

Allele frequency attached by ClinVar (database versions not stated): gnomAD exomes 0.00024; ExAC 0.00086; 1000 Genomes Project 0.00260; gnomAD 0.00280 and 0.00307; TOPMed 0.00302; ESP Exome Variant Server 0.00315; 1000 Genomes Project 30x 0.00312.
gnomAD v4.1: 778 of 1,613,896 alleles (0.048%); highest among the groups gnomAD compares: African/African-American, 0.94%; 4 homozygotes.

Submissions (2):

Labcorp Genetics (formerly Invitae), Labcorp
Classification: Benign. Last evaluated: 2019-12-31. Review status: criteria provided, single submitter. Criteria: Invitae Variant Classification Sherloc (09022015). Collection method: clinical testing. Allele origin: germline.

PreventionGenetics, part of Exact Sciences
Classification: Likely benign for TSGA10-related condition. Last evaluated: 2019-03-11. Review status: no assertion criteria provided. Collection method: clinical testing. Allele origin: germline. Not counted in ClinVar's aggregate classification.
Comment: This variant is classified as likely benign based on ACMG/AMP sequence variant interpretation guidelines (Richards et al. 2015 PMID: 25741868, with internal and published modifications).